The following is an entry in ClinVar:

NM_014795.4(ZEB2):c.2114C>T (p.Ser705Phe)

Gene: ZEB2 (zinc finger E-box binding homeobox 2; minus strand). Cytogenetic location: 2q22.3.
Variant type: single nucleotide variant.
Coding change: c.2114C>T on transcript NM_014795.4 (MANE Select); coding-DNA position 2114, C replaced by T.
Protein change: p.Ser705Phe; replaces serine 705 with phenylalanine.
Molecular consequence: missense variant.
Genome position (GRCh38, 1-based): chr2:144,399,073, G>A on the plus strand (C>T on the coding strand, the complement: ZEB2 is on the minus strand). VCF-style: chr2-144399073-G-A. GRCh37 (hg19) VCF-style: chr2-145156640-G-A.
Other names: c.2042C>T, p.Ser681Phe (NM_001171653.2); short protein forms S705F, S681F.
Identifiers: ClinVar variation 1486511 (VCV001486511.6), dbSNP rs2149876835, ClinGen allele CA348708997.

ClinVar aggregate classification (germline): Uncertain significance (1 of 4 stars; one submission).

Conditions:
Mowat-Wilson syndrome (MOWS). Also called: Classic Mowat-Wilson Syndrome. Identifiers: Orphanet 2152, MedGen C1856113, MONDO:0009341, OMIM 235730.

Submission:

Labcorp Genetics (formerly Invitae), Labcorp
Classification: Uncertain significance for Mowat-Wilson syndrome. Last evaluated: 2022-08-15. Review status: criteria provided, single submitter. Criteria: Invitae Variant Classification Sherloc (09022015). Collection method: clinical testing. Allele origin: germline.
Comment: This variant has not been reported in the literature in individuals affected with ZEB2-related conditions. In summary, the available evidence is currently insufficient to determine the role of this variant in disease. Therefore, it has been classified as a Variant of Uncertain Significance. Algorithms developed to predict the effect of missense changes on protein structure and function are either unavailable or do not agree on the potential impact of this missense change (SIFT: "Deleterious"; PolyPhen-2: "Benign"; Align-GVGD: "Class C0"). ClinVar contains an entry for this variant (Variation ID: 1486511). This variant is not present in population databases (gnomAD no frequency). This sequence change replaces serine, which is neutral and polar, with phenylalanine, which is neutral and non-polar, at codon 705 of the ZEB2 protein (p.Ser705Phe).